The following is an entry in ClinVar:

NM_013275.6(ANKRD11):c.7570-2A>G

Gene: ANKRD11 (ankyrin repeat domain 11; minus strand). Cytogenetic location: 16q24.3.
Variant type: single nucleotide variant.
Coding change: c.7570-2A>G on transcript NM_013275.6 (MANE Select); the canonical splice acceptor site of the intron before coding-DNA position 7570, A replaced by G.
Molecular consequence: splice acceptor variant.
Genome position (GRCh38, 1-based): chr16:89,274,959, T>C on the plus strand (A>G on the coding strand, the complement: ANKRD11 is on the minus strand). VCF-style: chr16-89274959-T-C. GRCh37 (hg19) VCF-style: chr16-89341367-T-C.
Other names: c.7570-2A>G (NM_001256183.2, NM_001256182.2).
Identifiers: ClinVar variation 4686743 (VCV004686743.1).

ClinVar aggregate classification (germline): Pathogenic (1 of 4 stars; one submission).

Submission:

GeneDx
Classification: Pathogenic. Last evaluated: 2025-07-23. Review status: criteria provided, single submitter. Criteria: GeneDx Variant Classification Process June 2021. Collection method: clinical testing. Allele origin: germline. Affected: yes.
Comment: Canonical splice site variant predicted to result in an in-frame loss of the adjacent exon in a gene for which loss of function is a known mechanism of disease; Not observed at significant frequency in large population cohorts (gnomAD); This variant is associated with the following publications: (PMID: 27848944)